The following is an entry in ClinVar:

ClinVar aggregate classification (germline): Uncertain significance (0 of 4 stars; one submission).

Conditions:
SEMA3E-related disorder. Also called: SEMA3E-related condition.

gnomAD v4.1: 9 of 1,613,280 alleles (0.00056%); highest among the groups gnomAD compares: Non-Finnish European, 0.00076%; no homozygotes.

Submission:

PreventionGenetics, part of Exact Sciences
Classification: Uncertain significance for SEMA3E-related condition. Last evaluated: 2024-08-22. Review status: no assertion criteria provided. Collection method: clinical testing. Allele origin: germline.
Comment: The SEMA3E c.1652G>T variant is predicted to result in the amino acid substitution p.Gly551Val. To our knowledge, this variant has not been reported in the literature. This variant is reported in 0.00088% of alleles in individuals of European (Non-Finnish) descent in gnomAD. At this time, the clinical significance of this variant is uncertain due to the absence of conclusive functional and genetic evidence.

NM_012431.3(SEMA3E):c.1652G>T (p.Gly551Val)

Gene: SEMA3E (semaphorin 3E; minus strand). Cytogenetic location: 7q21.11.
Variant type: single nucleotide variant.
Coding change: c.1652G>T on transcript NM_012431.3 (MANE Select); coding-DNA position 1652, G replaced by T.
Protein change: p.Gly551Val; replaces glycine 551 with valine.
Molecular consequence: missense variant.
Genome position (GRCh38, 1-based): chr7:83,392,570, C>A on the plus strand (G>T on the coding strand, the complement: SEMA3E is on the minus strand). VCF-style: chr7-83392570-C-A. GRCh37 (hg19) VCF-style: chr7-83021886-C-A.
Other names: c.1472G>T, p.Gly491Val (NM_001178129.2); short protein forms G491V, G551V.
Identifiers: ClinVar variation 3345493 (VCV003345493.1).